The following is an entry in ClinVar:

NM_145886.4(PIDD1):c.1300dup (p.Gln434fs)

Gene: PIDD1 (p53-induced death domain protein 1; minus strand). Cytogenetic location: 11p15.5.
Variant type: Duplication.
Coding change: c.1300dup on transcript NM_145886.4 (MANE Select); coding-DNA position 1300, one base duplicated (C; older notation c.1300dupC).
Protein change: p.Gln434fs; shifts the reading frame from glutamine 434.
Molecular consequence: frameshift variant.
Genome position (GRCh38, 1-based): chr11:801,967, G duplicated on the plus strand (C on the coding strand, the reverse complement: PIDD1 is on the minus strand); the first of 4 consecutive G bases (chr11:801,967-801,970); duplicating any one gives the same sequence. VCF-style (leftmost placement, unchanged base first): chr11-801966-T-TG. GRCh37 (hg19) VCF-style: chr11-801966-T-TG.
Other names: c.1300dup, p.Gln434fs (NM_145887.4); short protein forms Q434fs.
Identifiers: ClinVar variation 4997970 (VCV004997970.1).

ClinVar aggregate classification (germline): Uncertain significance (1 of 4 stars; one submission).

Conditions:
PIDD1-related disorder. Also called: PIDD1-related condition.

Submission:

PreventionGenetics, part of Exact Sciences
Classification: Uncertain significance for PIDD1-related condition. Last evaluated: 2025-12-08. Review status: criteria provided, single submitter. Criteria: ACMG Guidelines, 2015. Collection method: clinical testing. Allele origin: germline.
Comment: The PIDD1 c.1300dupC variant is predicted to result in a frameshift and premature protein termination (p.Gln434Profs*53). To our knowledge, this variant has not been reported in the literature. This variant is reported in 0.0074% of alleles in individuals of African descent in gnomAD. While loss-of-function variants in PIDD1 are expected to be pathogenic, no such variants have been reported in the literature this early in the PIDD1 gene. Therefore, although we suspect that this variant may be pathogenic, at this time its clinical significance is uncertain due to the absence of conclusive functional and genetic evidence.